The following is an entry in ClinVar:

ClinVar aggregate classification (germline): Benign. Review status: criteria provided, multiple submitters, no conflicts (2 of 4 stars). 3 submissions from 3 submitters: Benign (3). Last evaluated 2026-01-25.

Conditions:
Fleck corneal dystrophy (CFD). Also called: CORNEAL DYSTROPHY, FRANCOIS-NEETENS SPECKLED OR FLECKED. Identifiers: Orphanet 98970, MedGen C1562113, MONDO:0007376, OMIM 121850.

Allele frequency attached by ClinVar (database versions not stated): gnomAD exomes 0.00282 and 0.00777; ExAC 0.00970; gnomAD 0.02927 and 0.03144; 1000 Genomes Project 0.03035; 1000 Genomes Project 30x 0.03420; TOPMed 0.03422; ESP Exome Variant Server 0.03606.
gnomAD v4.1: 8,771 of 1,611,254 alleles (0.54%); highest among the groups gnomAD compares: African/African-American, 10%; 373 homozygotes.

Submissions (3):

Labcorp Genetics (formerly Invitae), Labcorp
Classification: Benign. Last evaluated: 2026-01-25. Review status: criteria provided, single submitter. Criteria: Invitae Variant Classification Sherloc (09022015). Collection method: clinical testing. Allele origin: germline.

Illumina Laboratory Services, Illumina
Classification: Benign for Fleck corneal dystrophy. Last evaluated: 2018-01-13. Review status: criteria provided, single submitter. Criteria: ICSL Variant Classification Criteria 13 December 2019. Collection method: clinical testing. Allele origin: germline.
Comment: This variant was observed in the ICSL laboratory as part of a predisposition screen in an ostensibly healthy population. It had not been previously curated by ICSL or reported in the Human Gene Mutation Database (HGMD: prior to June 1st, 2018), and was therefore a candidate for classification through an automated scoring system. Utilizing variant allele frequency, disease prevalence and penetrance estimates, and inheritance mode, an automated score was calculated to assess if this variant is too frequent to cause the disease. Based on the score and internal cut-off values, a variant classified as benign is not then subjected to further curation. The score for this variant resulted in a classification of benign for this disease.

Breakthrough Genomics
Classification: Benign. Review status: criteria provided, single submitter. Criteria: ACMG Guidelines, 2015. Collection method: not provided. Allele origin: germline. Inheritance: Autosomal dominant inheritance. Affected: yes.

NM_015040.4(PIKFYVE):c.2191-15A>T

Gene: PIKFYVE (phosphoinositide kinase, FYVE-type zinc finger containing; plus strand). Cytogenetic location: 2q34.
Variant type: single nucleotide variant.
Coding change: c.2191-15A>T on transcript NM_015040.4 (MANE Select); 15 bases into the intron before coding-DNA position 2191, A replaced by T.
Molecular consequence: intron variant.
Genome position (GRCh38, 1-based): chr2:208,324,127, A>T. VCF-style: chr2-208324127-A-T. GRCh37 (hg19) VCF-style: chr2-209188851-A-T.
Identifiers: ClinVar variation 333900 (VCV000333900.10), dbSNP rs16840942, ClinGen allele CA2079775.